The following is an entry in ClinVar:

ClinVar aggregate classification (germline): Likely benign (1 of 4 stars; one submission).

Conditions:
PMS2-related disorder. Also called: PMS2-related condition.

Submission:

PreventionGenetics, part of Exact Sciences
Classification: Likely benign for PMS2-related condition. Last evaluated: 2026-01-12. Review status: criteria provided, single submitter. Criteria: ACMG Guidelines, 2015. Collection method: clinical testing. Allele origin: germline.
Comment: This variant is classified as likely benign based on ACMG/AMP sequence variant interpretation guidelines (Richards et al. 2015 PMID: 25741868, with internal and published modifications).

NM_000535.7(PMS2):c.354-21A>T

Gene: PMS2 (PMS1 homolog 2, mismatch repair system component; minus strand). Cytogenetic location: 7p22.1.
Variant type: single nucleotide variant.
Coding change: c.354-21A>T on transcript NM_000535.7 (MANE Select); 21 bases into the intron before coding-DNA position 354, A replaced by T.
Molecular consequence: intron variant. On other transcripts: synonymous variant (9).
Genome position (GRCh38, 1-based): chr7:6,002,657, T>A on the plus strand (A>T on the coding strand, the complement: PMS2 is on the minus strand). VCF-style: chr7-6002657-T-A. GRCh37 (hg19) VCF-style: chr7-6042288-T-A.
Other names: c.24A>T, p.Pro8= (NM_001322015.2, NM_001406875.1, NM_001406877.1 and 6 more transcripts); c.36-21A>T (NM_001322008.2, NM_001406902.1, NM_001406883.1 and 4 more transcripts); c.-52-21A>T (NM_001406895.1, NM_001406911.1, NM_001322010.2 and 24 more transcripts); c.-531-21A>T (NM_001322012.2, NM_001322011.2); c.250+1315A>T (NM_001406885.1); c.354-21A>T (NM_001406886.1, NM_001406884.1, NM_001406874.1 and 8 more transcripts); c.378-21A>T (NM_001406868.1); c.540-21A>T (NM_001406866.1).
Identifiers: ClinVar variation 4979691 (VCV004979691.1).